The following is an entry in ClinVar:

ClinVar aggregate classification (germline): Conflicting classifications of pathogenicity. Review status: criteria provided, conflicting classifications (1 of 4 stars). 6 submissions from 6 submitters: Uncertain significance (3); Likely benign (1). 2 of the submissions do not count toward it. Last evaluated 2026-06-16.

Conditions:
TTN-related disorder. Also called: TTN-related condition; TTN-related disease; TTN-related disorders.
Autosomal recessive limb-girdle muscular dystrophy type 2J (LGMDR10). Also called: Limb-girdle muscular dystrophy, type 2J; MUSCULAR DYSTROPHY, LIMB-GIRDLE, AUTOSOMAL RECESSIVE 10. Identifiers: Orphanet 140922, MedGen C1837342, MONDO:0012127, OMIM 608807.
Dilated cardiomyopathy 1G (CMD1G). Identifiers: Orphanet 154, MedGen C1858763, MONDO:0011400, OMIM 604145.

Allele frequency attached by ClinVar (database versions not stated): ExAC 0.00002; gnomAD exomes 0.00002 and 0.00004; TOPMed 0.00002; gnomAD 0.00003; ESP Exome Variant Server 0.00008.

Submissions (6):

PreventionGenetics, part of Exact Sciences
Classification: Uncertain significance for TTN-related condition. Last evaluated: 2026-06-16. Review status: criteria provided, single submitter. Criteria: ACMG Guidelines, 2015. Collection method: clinical testing. Allele origin: germline.
Comment: The TTN c.9442C>T variant is predicted to result in the amino acid substitution p.Arg3148Cys. To our knowledge, this variant has not been reported in the literature. This variant is reported in 0.0031% of alleles in individuals of European (Non-Finnish) descent in gnomAD. At this time, the clinical significance of this variant is uncertain due to the absence of conclusive functional and genetic evidence.

Blueprint Genetics
Classification: Likely benign. Last evaluated: 2022-07-26. Review status: criteria provided, single submitter. Criteria: ACMG Guidelines, 2015. Collection method: clinical testing. Allele origin: germline.

Revvity Omics, Revvity
Classification: Uncertain significance. Last evaluated: 2019-01-31. Review status: criteria provided, single submitter. Criteria: ACMG Guidelines, 2015. Collection method: clinical testing. Allele origin: germline.

Labcorp Genetics (formerly Invitae), Labcorp
Classification: Uncertain significance for Dilated cardiomyopathy 1G; Autosomal recessive limb-girdle muscular dystrophy type 2J. Last evaluated: 2017-04-17. Review status: criteria provided, single submitter. Criteria: Invitae Variant Classification Sherloc (09022015). Collection method: clinical testing. Allele origin: germline.

Clinical Genetics DNA and cytogenetics Diagnostics Lab, Erasmus MC, Erasmus Medical Center
Classification: Uncertain significance. Review status: no assertion criteria provided. Collection method: clinical testing. Allele origin: germline. Affected: yes. Study: VKGL Data-share Consensus. Not counted in ClinVar's aggregate classification.

Clinical Genetics, Academic Medical Center
Classification: Uncertain significance. Review status: no assertion criteria provided. Collection method: clinical testing. Allele origin: germline. Affected: yes. Study: VKGL Data-share Consensus. Not counted in ClinVar's aggregate classification.

NM_001267550.2(TTN):c.9442C>T (p.Arg3148Cys)

Gene: TTN (titin; minus strand). Cytogenetic location: 2q31.2.
Variant type: single nucleotide variant.
Coding change: c.9442C>T on transcript NM_001267550.2 (MANE Select); coding-DNA position 9442, C replaced by T.
Protein change: p.Arg3148Cys; replaces arginine 3148 with cysteine.
Molecular consequence: missense variant.
Genome position (GRCh38, 1-based): chr2:178,767,788, G>A on the plus strand (C>T on the coding strand, the complement: TTN is on the minus strand). VCF-style: chr2-178767788-G-A. GRCh37 (hg19) VCF-style: chr2-179632515-G-A.
Other names: c.9442C>T, p.Arg3148Cys (NM_001256850.1, NM_133378.4, NM_133379.5); c.9304C>T, p.Arg3102Cys (NM_003319.4, NM_133432.3, NM_133437.4); short protein forms R3148C, R3102C.
Identifiers: ClinVar variation 467662 (VCV000467662.11), dbSNP rs372196051, ClinGen allele CA2004339.